The following is an entry in ClinVar:

NM_000238.4(KCNH2):c.2832G>C (p.Glu944Asp)

Gene: KCNH2 (potassium voltage-gated channel subfamily H member 2; minus strand). Cytogenetic location: 7q36.1.
Variant type: single nucleotide variant.
Coding change: c.2832G>C on transcript NM_000238.4 (MANE Select); coding-DNA position 2832, G replaced by C.
Protein change: p.Glu944Asp; replaces glutamic acid 944 with aspartic acid.
Molecular consequence: missense variant.
Genome position (GRCh38, 1-based): chr7:150,947,739, C>G on the plus strand (G>C on the coding strand, the complement: KCNH2 is on the minus strand). VCF-style: chr7-150947739-C-G. GRCh37 (hg19) VCF-style: chr7-150644827-C-G.
Other names: c.1812G>C, p.Glu604Asp (NM_172057.3); short protein forms E944D, E604D.
Identifiers: ClinVar variation 628923 (VCV000628923.8), dbSNP rs1232364499, ClinGen allele CA369853303.

ClinVar aggregate classification (germline): Uncertain significance. Review status: criteria provided, multiple submitters, no conflicts (2 of 4 stars). 3 submissions from 3 submitters: Uncertain significance (3). Last evaluated 2023-12-05.

Conditions:
Cardiac arrhythmia. Also called: Arrhythmia; Cardiac rhythm disease. Identifiers: MedGen C0003811, MONDO:0007263, HP:0011675.
Long QT syndrome 2 (LQT2). Identifiers: Orphanet 101016, Orphanet 768, MedGen C3150943, MONDO:0013367, OMIM 613688.
Short QT syndrome type 1. Identifiers: Orphanet 51083, MedGen C1865020, MONDO:0012312, OMIM 609620.
Long QT syndrome (LQTS). Identifiers: MedGen C0023976, MeSH D008133, MONDO:0002442. Disease mechanism: loss of function. Inheritance: Various modes of inheritance.

Allele frequency attached by ClinVar (database versions not stated): TOPMed 0.00002.
gnomAD v4.1: 16 of 1,554,714 alleles (0.001%); highest among the groups gnomAD compares: Non-Finnish European, 0.0013%; no homozygotes.

Submissions (3):

Color Diagnostics, LLC DBA Color Health
Classification: Uncertain significance for Cardiac arrhythmia. Last evaluated: 2023-12-05. Review status: criteria provided, single submitter. Criteria: ACMG Guidelines, 2015. Collection method: clinical testing. Allele origin: germline.
Comment: Variant of Uncertain Significance due to insufficient evidence: This missense variant is located in the cytoplasmic domain of the KCNH2 protein. Computational prediction tools and conservation analyses suggest that this variant may not impact the protein function. Computational splicing tools suggest that this variant may not impact the RNA splicing. To our knowledge, functional assays have not been performed for this variant nor has this variant been reported in individuals affected with cardiovascular disorders in the literature. This variant is rare in the general population and has been identified in 0/277264 chromosomes by the Genome Aggregation Database (gnomAD). Available evidence is insufficient to determine the pathogenicity of this variant conclusively.

All of Us Research Program, National Institutes of Health
Classification: Uncertain significance for Long QT syndrome. Last evaluated: 2023-05-15. Review status: criteria provided, single submitter. Criteria: ACMG Guidelines, 2015. Collection method: clinical testing. Allele origin: germline. Inheritance: Autosomal dominant inheritance. Observed: 1 variant allele, 1 heterozygote.
Comment: Variant of Uncertain Significance due to insufficient evidence: This missense variant is located in the cytoplasmic domain of the KCNH2 protein. Computational prediction tools and conservation analyses suggest that this variant may not impact the protein function. Computational splicing tools suggest that this variant may not impact the RNA splicing. To our knowledge, functional assays have not been performed for this variant nor has this variant been reported in individuals affected with cardiovascular disorders in the literature. This variant is rare in the general population and has been identified in 0/277264 chromosomes by the Genome Aggregation Database (gnomAD). Available evidence is insufficient to determine the pathogenicity of this variant conclusively.

This study involves interpretation of variants in research participants for the purpose of population health screening. Participant phenotype was not available at the time of variant classification. Additional details can be found in publication PMID: 35346344, PMCID: PMC8962531

Fulgent Genetics
Classification: Uncertain significance for Short QT syndrome type 1; Long QT syndrome 2. Last evaluated: 2021-11-07. Review status: criteria provided, single submitter. Criteria: ACMG Guidelines, 2015. Collection method: clinical testing. Allele origin: unknown.